The following is an entry in ClinVar:

ClinVar aggregate classification (germline): Pathogenic (1 of 4 stars; one submission).

Conditions:
Specific granule deficiency. Identifiers: Orphanet 169142, MedGen C0398593, MONDO:0009506.

Submission:

Labcorp Genetics (formerly Invitae), Labcorp
Classification: Pathogenic for Specific granule deficiency. Last evaluated: 2022-07-06. Review status: criteria provided, single submitter. Criteria: Invitae Variant Classification Sherloc (09022015). Collection method: clinical testing. Allele origin: germline.
Comment: A gross deletion of the genomic region encompassing the full coding sequence of the CEBPE gene has been identified. Loss-of-function variants in CEBPE are known to be pathogenic (PMID: 11313242, 11435463). The boundaries of this event are unknown as they extend beyond the assayed region for this gene and therefore may encompass additional genes. For these reasons, this variant has been classified as Pathogenic. This variant has not been reported in the literature in individuals affected with CEBPE-related conditions.

Literature cited by the submitters: PubMed 11313242; PubMed 11435463.

NC_000014.8:g.(?_23586696)_(23902941_?)del

Genes: BCL2L2-PABPN1 (BCL2L2-PABPN1 readthrough; plus strand), MYH6 (myosin heavy chain 6; minus strand), MIR208B (microRNA 208b; minus strand), BCL2L2 (BCL2 like 2; plus strand), CEBPE (CCAAT enhancer binding protein epsilon; minus strand) and 11 more. Cytogenetic location: 14q11.2.
Variant type: Deletion.
Identifiers: ClinVar variation 2424248 (VCV002424248.2).